The following is an entry in ClinVar:

NM_031407.7(HUWE1):c.197C>T (p.Ala66Val)

Gene: HUWE1 (HECT, UBA and WWE domain containing E3 ubiquitin protein ligase 1; minus strand). Cytogenetic location: Xp11.22.
Variant type: single nucleotide variant.
Coding change: c.197C>T on transcript NM_031407.7 (MANE Select); coding-DNA position 197, C replaced by T.
Protein change: p.Ala66Val; replaces alanine 66 with valine.
Molecular consequence: missense variant.
Genome position (GRCh38, 1-based): chrX:53,647,522, G>A on the plus strand (C>T on the coding strand, the complement: HUWE1 is on the minus strand). VCF-style: chrX-53647522-G-A. GRCh37 (hg19) VCF-style: chrX-53674465-G-A.
Other names: short protein forms A66V.
Identifiers: ClinVar variation 2788131 (VCV002788131.5), dbSNP rs1169205217, ClinGen allele CA413166315.

ClinVar aggregate classification (germline): Uncertain significance. Review status: criteria provided, multiple submitters, no conflicts (2 of 4 stars). 2 submissions from 2 submitters: Uncertain significance (2). Last evaluated 2025-05-27.

Allele frequency attached by ClinVar (database versions not stated): gnomAD exomes below 0.00001; TOPMed below 0.00001.
gnomAD v4.1: 1 of 1,209,546 alleles (0.000083%); highest among the groups gnomAD compares: Non-Finnish European, 0.00011%; no homozygotes.

Submissions (4):

Greenwood Genetic Center Diagnostic Laboratories, Greenwood Genetic Center
Classification: Uncertain significance. Last evaluated: 2025-05-27. Review status: criteria provided, single submitter. Criteria: ACMG Guidelines, 2015. Collection method: clinical testing. Allele origin: germline. Affected: yes.
Comment: PM2, BP4

Labcorp Genetics (formerly Invitae), Labcorp
Classification: Uncertain significance. Last evaluated: 2024-06-19. Review status: criteria provided, single submitter. Criteria: Invitae Variant Classification Sherloc (09022015). Collection method: clinical testing. Allele origin: germline.
Comment: This sequence change replaces alanine, which is neutral and non-polar, with valine, which is neutral and non-polar, at codon 66 of the HUWE1 protein (p.Ala66Val). This variant is not present in population databases (gnomAD no frequency). This variant has not been reported in the literature in individuals affected with HUWE1-related conditions. Advanced modeling of protein sequence and biophysical properties (such as structural, functional, and spatial information, amino acid conservation, physicochemical variation, residue mobility, and thermodynamic stability) has been performed at Invitae for this missense variant, however the output from this modeling did not meet the statistical confidence thresholds required to predict the impact of this variant on HUWE1 protein function. In summary, the available evidence is currently insufficient to determine the role of this variant in disease. Therefore, it has been classified as a Variant of Uncertain Significance.

Dr. Peter K. Rogan Lab, Western University
No classification provided (evidence only). Condition: Thyroid cancer, nonmedullary, 1. Review status: no classification provided. Collection method: in vitro. Allele origin: not applicable. Functional consequence: skipped exon. Not counted in ClinVar's aggregate classification.

Dr. Peter K. Rogan Lab, Western University
No classification provided (evidence only). Condition: Thyroid cancer, nonmedullary, 1. Review status: no classification provided. Collection method: in vitro. Allele origin: not applicable. Functional consequence: retained intron. Not counted in ClinVar's aggregate classification.